The following is an entry in ClinVar:

ClinVar aggregate classification (germline): Conflicting classifications of pathogenicity. Review status: criteria provided, conflicting classifications (1 of 4 stars). 4 submissions from 4 submitters: Uncertain significance (2); Likely benign (2). Last evaluated 2026-09-04.

Conditions:
Autosomal recessive limb-girdle muscular dystrophy type 2J (LGMDR10). Also called: Limb-girdle muscular dystrophy, type 2J; MUSCULAR DYSTROPHY, LIMB-GIRDLE, AUTOSOMAL RECESSIVE 10. Identifiers: Orphanet 140922, MedGen C1837342, MONDO:0012127, OMIM 608807.
Dilated cardiomyopathy 1G (CMD1G). Identifiers: Orphanet 154, MedGen C1858763, MONDO:0011400, OMIM 604145.
TTN-related disorder. Also called: TTN-related disorders; TTN-related condition; TTN-related disease.

Allele frequency attached by ClinVar (database versions not stated): gnomAD exomes 0.00002 and 0.00008; gnomAD 0.00004; TOPMed 0.00004; ExAC 0.00008; ESP Exome Variant Server 0.00008; 1000 Genomes Project 30x 0.00016; 1000 Genomes Project 0.00020.
gnomAD v4.1: 39 of 1,606,876 alleles (0.0024%); highest among the groups gnomAD compares: East Asian, 0.04%; no homozygotes.

Submissions (4):

PreventionGenetics, part of Exact Sciences
Classification: Uncertain significance for TTN-related condition. Last evaluated: 2026-09-04. Review status: criteria provided, single submitter. Criteria: ACMG Guidelines, 2015. Collection method: clinical testing. Allele origin: germline.
Comment: The TTN c.60928C>T variant is predicted to result in the amino acid substitution p.Arg20310Cys. This variant has been reported in an individual with Brugada syndrome (referred to as c.33733C>T, p.Arg11245Cys in transcript NM_003319, Chen et al. 2022. PubMed ID: 36303204). This variant is reported in 0.072% of alleles in individuals of East Asian descent in gnomAD. Although we suspect that this variant may be benign, at this time, the clinical significance of this variant is uncertain due to the absence of conclusive functional and genetic evidence.

Labcorp Genetics (formerly Invitae), Labcorp
Classification: Likely benign for Dilated cardiomyopathy 1G; Autosomal recessive limb-girdle muscular dystrophy type 2J. Last evaluated: 2026-01-06. Review status: criteria provided, single submitter. Criteria: Invitae Variant Classification Sherloc (09022015). Collection method: clinical testing. Allele origin: germline.

Women's Health and Genetics/Laboratory Corporation of America, LabCorp
Classification: Likely benign. Last evaluated: 2025-12-15. Review status: criteria provided, single submitter. Criteria: LabCorp Variant Classification Summary - May 2015. Collection method: clinical testing. Allele origin: germline.
Comment: Variant summary: TTN c.53224C>T (p.Arg17742Cys) results in a non-conservative amino acid change in the encoded protein sequence. Algorithms developed to predict the effect of missense changes on protein structure and function are either unavailable or do not agree on the potential impact of this missense change. The variant allele was found at a frequency of 7.7e-05 in 247388 control chromosomes, predominantly at a frequency of 0.00078 within the East Asian subpopulation in the gnomAD database. The observed variant frequency within East Asian control individuals in the gnomAD database exceeds the estimated maximal expected allele frequency for disease-causing variants in TTN. c.53224C>T has been observed in individual(s) affected with Brugada syndrome (example: Chen_2022). These report(s) do not provide unequivocal conclusions about association of the variant with Autosomal Recessive Titinopathy. To our knowledge, no experimental evidence demonstrating an impact on protein function has been reported. The following publication has been ascertained in the context of this evaluation (PMID: 36303204). ClinVar contains an entry for this variant (Variation ID: 699481). Based on the evidence outlined above, the variant was classified as likely benign.

CeGaT Center for Human Genetics Tuebingen
Classification: Uncertain significance. Last evaluated: 2019-06-01. Review status: criteria provided, single submitter. Criteria: CeGaT Center For Human Genetics Tuebingen Variant Classification Criteria Version 2. Collection method: clinical testing. Allele origin: germline. Affected: yes. Observed: 1 variant allele.

Literature cited by the submitters: PubMed 36303204 (cited by Women's Health and Genetics/Laboratory Corporation of America, LabCorp).

NM_001267550.2(TTN):c.60928C>T (p.Arg20310Cys)

Genes: TTN (titin; minus strand), TTN-AS1 (TTN antisense RNA 1; plus strand). Cytogenetic location: 2q31.2.
Variant type: single nucleotide variant.
Coding change: c.60928C>T on transcript NM_001267550.2 (MANE Select); coding-DNA position 60928, C replaced by T.
Protein change: p.Arg20310Cys; replaces arginine 20310 with cysteine.
Molecular consequence: missense variant.
Genome position (GRCh38, 1-based): chr2:178,590,797, G>A on the plus strand (C>T on the coding strand, the complement: TTN is on the minus strand). VCF-style: chr2-178590797-G-A. GRCh37 (hg19) VCF-style: chr2-179455524-G-A.
Other names: c.56005C>T, p.Arg18669Cys (NM_001256850.1); c.33733C>T, p.Arg11245Cys (NM_003319.4); c.53224C>T, p.Arg17742Cys (NM_133378.4); c.34108C>T, p.Arg11370Cys (NM_133432.3); c.34309C>T, p.Arg11437Cys (NM_133437.4); short protein forms R11245C, R11370C, R11437C, R18669C, R17742C, R20310C.
Identifiers: ClinVar variation 699481 (VCV000699481.53), dbSNP rs200898955, ClinGen allele CA1992428.